The following is an entry in ClinVar:

NM_147127.5(EVC2):c.1516G>A (p.Glu506Lys)

Gene: EVC2 (EvC ciliary complex subunit 2; minus strand). Cytogenetic location: 4p16.2.
Variant type: single nucleotide variant.
Coding change: c.1516G>A on transcript NM_147127.5 (MANE Select); coding-DNA position 1516, G replaced by A.
Protein change: p.Glu506Lys; replaces glutamic acid 506 with lysine.
Molecular consequence: missense variant.
Genome position (GRCh38, 1-based): chr4:5,631,987, C>T on the plus strand (G>A on the coding strand, the complement: EVC2 is on the minus strand). VCF-style: chr4-5631987-C-T. GRCh37 (hg19) VCF-style: chr4-5633714-C-T.
Other names: c.1276G>A, p.Glu426Lys (NM_001166136.2); short protein forms E426K, E506K.
Identifiers: ClinVar variation 2929875 (VCV002929875.3), dbSNP rs1225635390, ClinGen allele CA356149512.
Genomic context (GRCh38, chr4:5,631,987, plus strand): 5'-GAGCTTTGGCAAAGTCTTCTTCTTGTTGCAAAGCGAGAGACTTCCTCAAGTGCTCCTGTT[C>T]CAGGCCATGGAGGGTCCGCAGAAGGTTGCTGCACTCTACAGCAGACTGGAGAGAGGAAAG-3'
Protein context (NP_667338.3, residues 496-516): SNLLRTLHGL[Glu506Lys]QEHLRKSLAL

ClinVar aggregate classification (germline): Uncertain significance (1 of 4 stars; one submission).

Conditions:
Curry-Hall syndrome (WAD). Also called: WEYERS ACRODENTAL DYSOSTOSIS. Identifiers: Orphanet 952, MedGen C0457013, MONDO:0008673, OMIM 193530.
Ellis-van Creveld syndrome (EVC). Also called: EVC-Related Ellis-van Creveld Syndrome; EVC2-Related Ellis-van Creveld Syndrome; MESOECTODERMAL DYSPLASIA; Chondroectodermal dysplasia. Identifiers: Orphanet 289, MedGen C0013903, MONDO:0009162, OMIM 225500.

Allele frequency attached by ClinVar (database versions not stated): gnomAD exomes below 0.00001; TOPMed below 0.00001; gnomAD 0.00001.
gnomAD v4.1: 2 of 1,614,068 alleles (0.00012%); highest among the groups gnomAD compares: Admixed American, 0.0017%; no homozygotes.

Submission:

Labcorp Genetics (formerly Invitae), Labcorp
Classification: Uncertain significance for Curry-Hall syndrome; Ellis-van Creveld syndrome. Last evaluated: 2023-12-16. Review status: criteria provided, single submitter. Criteria: Invitae Variant Classification Sherloc (09022015). Collection method: clinical testing. Allele origin: germline.
Comment: This sequence change replaces glutamic acid, which is acidic and polar, with lysine, which is basic and polar, at codon 506 of the EVC2 protein (p.Glu506Lys). This variant is present in population databases (no rsID available, gnomAD 0.003%). This variant has not been reported in the literature in individuals affected with EVC2-related conditions. An algorithm developed to predict the effect of missense changes on protein structure and function (PolyPhen-2) suggests that this variant is likely to be disruptive. In summary, the available evidence is currently insufficient to determine the role of this variant in disease. Therefore, it has been classified as a Variant of Uncertain Significance.